The following is an entry in ClinVar:

NM_001165963.4(SCN1A):c.2513_2514del (p.Phe838fs)

Gene: SCN1A (sodium voltage-gated channel alpha subunit 1; minus strand). Cytogenetic location: 2q24.3.
Variant type: Deletion.
Coding change: c.2513_2514del on transcript NM_001165963.4 (MANE Select); coding-DNA positions 2513 to 2514, 2 bases deleted (TT; older notation c.2513_2514delTT).
Protein change: p.Phe838fs; shifts the reading frame from phenylalanine 838.
Molecular consequence: frameshift variant. On other transcripts: non-coding transcript variant (1).
Genome position (GRCh38, 1-based): chr2:166,039,498-166,039,499, AA deleted on the plus strand (TT on the coding strand, the reverse complement: SCN1A is on the minus strand); deleting any 2 consecutive bases within chr2:166,039,498-166,039,501 gives the same sequence; the c. name uses the placement nearest the transcript's 3' end. VCF-style (leftmost placement, unchanged base first): chr2-166039497-TAA-T. GRCh37 (hg19) VCF-style: chr2-166896007-TAA-T.
Other names: c.2429_2430del, p.Phe810fs (NM_001165964.3, NM_001353957.2, NM_001353958.2); c.2513_2514del, p.Phe838fs (NM_001202435.3, NM_001353948.2); c.2480_2481del, p.Phe827fs (NM_001353949.2, NM_001353950.2, NM_001353951.2 and 2 more transcripts); c.2477_2478del, p.Phe826fs (NM_001353954.2, NM_001353955.2); c.2426_2427del, p.Phe809fs (NM_001353960.2); c.71_72del, p.Phe24fs (NM_001353961.2); short protein forms F24fs, F809fs, F810fs, F826fs, F827fs, F838fs.
Identifiers: ClinVar variation 1069247 (VCV001069247.8), dbSNP rs2105817065, ClinGen allele CA2499215196.

ClinVar aggregate classification (germline): Pathogenic (1 of 4 stars; one submission).

Conditions:
Early-infantile DEE. Also called: Ohtahara syndrome; Early infantile epileptic encephalopathy with suppression bursts; Early infantile epileptic encephalopathy. Identifiers: Orphanet 1934, MedGen C0393706, MONDO:0800491.

Submission:

Labcorp Genetics (formerly Invitae), Labcorp
Classification: Pathogenic for Early-infantile DEE. Last evaluated: 2022-06-27. Review status: criteria provided, single submitter. Criteria: Invitae Variant Classification Sherloc (09022015). Collection method: clinical testing. Allele origin: germline.
Comment: For these reasons, this variant has been classified as Pathogenic. ClinVar contains an entry for this variant (Variation ID: 1069247). This variant has not been reported in the literature in individuals affected with SCN1A-related conditions. This variant is not present in population databases (gnomAD no frequency). This sequence change creates a premature translational stop signal (p.Phe838Tyrfs*5) in the SCN1A gene. It is expected to result in an absent or disrupted protein product. Loss-of-function variants in SCN1A are known to be pathogenic (PMID: 17347258, 18930999).

Literature cited by the submitters: PubMed 17347258; PubMed 18930999.